The following is an entry in ClinVar:

NM_006258.4(PRKG1):c.2053G>C (p.Asp685His)

Gene: PRKG1 (protein kinase cGMP-dependent 1; plus strand). Cytogenetic location: 10q21.1.
Variant type: single nucleotide variant.
Coding change: c.2053G>C on transcript NM_006258.4 (MANE Select); coding-DNA position 2053, G replaced by C.
Protein change: p.Asp685His; replaces aspartic acid 685 with histidine.
Molecular consequence: missense variant.
Genome position (GRCh38, 1-based): chr10:52,293,892, G>C. VCF-style: chr10-52293892-G-C. GRCh37 (hg19) VCF-style: chr10-54053652-G-C.
Other names: c.2053G>C (NM_006258.3); c.2008G>C, p.Asp670His (NM_001098512.3); c.844G>C, p.Asp282His (NM_001374781.1); short protein forms D282H, D670H, D685H.
Identifiers: ClinVar variation 1492828 (VCV001492828.10), dbSNP rs1398800687, ClinGen allele CA376536936.

ClinVar aggregate classification (germline): Uncertain significance. Review status: criteria provided, multiple submitters, no conflicts (2 of 4 stars). 3 submissions from 3 submitters: Uncertain significance (3). Last evaluated 2024-10-30.

Conditions:
Aortic aneurysm, familial thoracic 8 (AAT8). Identifiers: MedGen C3809513, MONDO:0014187, OMIM 615436.
Familial thoracic aortic aneurysm and aortic dissection (TAAD). Also called: Thoracic aortic aneurysms and dissections. Identifiers: Orphanet 91387, MedGen C4707243, MONDO:0019625.

Allele frequency attached by ClinVar (database versions not stated): TOPMed below 0.00001; gnomAD 0.00001; gnomAD exomes 0.00001.
gnomAD v4.1: 4 of 1,608,544 alleles (0.00025%); highest among the groups gnomAD compares: East Asian, 0.0022%; no homozygotes.

Submissions (3):

Labcorp Genetics (formerly Invitae), Labcorp
Classification: Uncertain significance for Aortic aneurysm, familial thoracic 8. Last evaluated: 2024-10-30. Review status: criteria provided, single submitter. Criteria: Invitae Variant Classification Sherloc (09022015). Collection method: clinical testing. Allele origin: germline.
Comment: This sequence change replaces aspartic acid, which is acidic and polar, with histidine, which is basic and polar, at codon 685 of the PRKG1 protein (p.Asp685His). This variant is present in population databases (no rsID available, gnomAD 0.006%). This variant has not been reported in the literature in individuals affected with PRKG1-related conditions. ClinVar contains an entry for this variant (Variation ID: 1492828). An algorithm developed to predict the effect of missense changes on protein structure and function (PolyPhen-2) suggests that this variant is likely to be disruptive. In summary, the available evidence is currently insufficient to determine the role of this variant in disease. Therefore, it has been classified as a Variant of Uncertain Significance.

Women's Health and Genetics/Laboratory Corporation of America, LabCorp
Classification: Uncertain significance. Last evaluated: 2023-12-17. Review status: criteria provided, single submitter. Criteria: LabCorp Variant Classification Summary - May 2015. Collection method: clinical testing. Allele origin: germline.

Ambry Genetics
Classification: Uncertain significance for Familial thoracic aortic aneurysm and aortic dissection. Last evaluated: 2023-05-28. Review status: criteria provided, single submitter. Criteria: Ambry Variant Classification Scheme 2023. Collection method: clinical testing. Allele origin: germline.
Comment: The p.D685H variant (also known as c.2053G>C), located in coding exon 18 of the PRKG1 gene, results from a G to C substitution at nucleotide position 2053. The aspartic acid at codon 685 is replaced by histidine, an amino acid with similar properties. This amino acid position is conserved. In addition, this alteration is predicted to be deleterious by in silico analysis. Since supporting evidence is limited at this time, the clinical significance of this alteration remains unclear.